The following is an entry in ClinVar:

NM_001291415.2(KDM6A):c.4249dup (p.Thr1417fs)

Gene: KDM6A (lysine demethylase 6A; plus strand). Cytogenetic location: Xp11.3.
Variant type: Duplication.
Coding change: c.4249dup on transcript NM_001291415.2 (MANE Select); coding-DNA position 4249, one base duplicated (A; older notation c.4249dupA).
Protein change: p.Thr1417fs; shifts the reading frame from threonine 1417.
Molecular consequence: frameshift variant. On other transcripts: non-coding transcript variant (1).
Genome position (GRCh38, 1-based): chrX:45,110,166, A duplicated; the last of 5 consecutive A bases (chrX:45,110,162-45,110,166); duplicating any one gives the same sequence. VCF-style (leftmost placement, unchanged base first): chrX-45110161-G-GA. GRCh37 (hg19) VCF-style: chrX-44969406-G-GA.
Other names: c.4114dup, p.Thr1372fs (NM_001291416.2); c.3958dup, p.Thr1320fs (NM_001291417.2); c.3856dup, p.Thr1286fs (NM_001291418.2); c.3205dup, p.Thr1069fs (NM_001291421.2); c.3991dup, p.Thr1331fs (NM_001410742.1); c.4357dup, p.Thr1453fs (NM_001419809.1); c.4255dup, p.Thr1419fs (NM_001419810.1); c.4222dup, p.Thr1408fs (NM_001419811.1); and 5 more; short protein forms T1069fs, T1286fs, T1320fs, T1322fs, T1331fs, T1365fs, T1367fs, T1372fs.
Identifiers: ClinVar variation 4530487 (VCV004530487.1).

ClinVar aggregate classification (somatic clinical impact): Tier I - Strong (1 of 4 stars; one submission).

Conditions:
Medulloblastoma non-WNT/non-SHH group 4. Identifiers: MedGen C4330666, MONDO:0956967.

Submission:

Institute for Genomic Medicine (IGM) Clinical Laboratory, Nationwide Children's Hospital
Classification: Tier I - Strong for Medulloblastoma non-WNT/non-SHH group 4. Assertion type: diagnostic. Clinical significance: supports diagnosis. Last evaluated: 2025-10-24. Review status: criteria provided, single submitter. Criteria: AMP/ASCO/CAP Guidelines, 2017. Collection method: clinical testing. Allele origin: somatic. Affected: yes.
Comment: Variant has Tier I (strong) clinical significance as a diagnostic inclusion criterion in medulloblastoma non-WNT/non-SHH group 4, based on the following evidence: 1) Documented in one or more cancer databases (e.g., St. Jude Pecan, COSMIC, CIViC, OncoKB). 2) Appears in one or more well-established professional guidelines (e.g., World Health Organization [WHO]; National Comprehensive Cancer Network [NCCN]) as providing diagnostic, prognostic, or therapeutic information. 3) Information in the literature supports potential biologic effect of variant. 4) Diagnostic for a specific tumor type/classification based on well-powered studies with expert-level consensus (Evidence Level B; PMIDs: 23184418, 28726821, 22832583, 22820256, 22722829).

Literature cited by the submitters: PubMed 23184418; PubMed 28726821; PubMed 22832583; PubMed 22820256; PubMed 22722829.